The following is an entry in ClinVar:

NM_030930.4(UNC93B1):c.1467G>T (p.Ser489=)

Gene: UNC93B1 (unc-93B1 regulator of TLR signaling; minus strand). Cytogenetic location: 11q13.2.
Variant type: single nucleotide variant.
Coding change: c.1467G>T on transcript NM_030930.4 (MANE Select); coding-DNA position 1467, G replaced by T.
Protein change: p.Ser489=; no amino-acid change (serine 489 retained).
Molecular consequence: synonymous variant.
Genome position (GRCh38, 1-based): chr11:67,993,691, C>A on the plus strand (G>T on the coding strand, the complement: UNC93B1 is on the minus strand). VCF-style: chr11-67993691-C-A. GRCh37 (hg19) VCF-style: chr11-67761162-C-A.
Identifiers: ClinVar variation 2642025 (VCV002642025.24), dbSNP rs201959670, ClinGen allele CA6145372.

ClinVar aggregate classification (germline): Likely benign (1 of 4 stars; one submission).

Submission:

CeGaT Center for Human Genetics Tuebingen
Classification: Likely benign. Last evaluated: 2022-08-01. Review status: criteria provided, single submitter. Criteria: CeGaT Center For Human Genetics Tuebingen Variant Classification Criteria Version 2. Collection method: clinical testing. Allele origin: germline. Affected: yes. Observed: 1 variant allele.
Comment: UNC93B1: BP4, BP7